The following is an entry in ClinVar:

ClinVar aggregate classification (germline): Uncertain significance (1 of 4 stars; one submission).

Conditions:
Primary ciliary dyskinesia. Also called: Ciliary dyskinesia. Identifiers: Orphanet 244, MedGen C0008780, MONDO:0016575, HP:0012265.

Allele frequency attached by ClinVar (database versions not stated): gnomAD exomes below 0.00001 and 0.00001; gnomAD 0.00002; TOPMed 0.00005; ESP Exome Variant Server 0.00008.

Submission:

Labcorp Genetics (formerly Invitae), Labcorp
Classification: Uncertain significance for Primary ciliary dyskinesia. Last evaluated: 2019-07-09. Review status: criteria provided, single submitter. Criteria: Invitae Variant Classification Sherloc (09022015). Collection method: clinical testing. Allele origin: germline.
Comment: In summary, the available evidence is currently insufficient to determine the role of this variant in disease. Therefore, it has been classified as a Variant of Uncertain Significance. Algorithms developed to predict the effect of sequence changes on RNA splicing suggest that this variant may create or strengthen a splice site, but this prediction has not been confirmed by published transcriptional studies. Algorithms developed to predict the effect of missense changes on protein structure and function (SIFT, PolyPhen-2, Align-GVGD) all suggest that this variant is likely to be disruptive, but these predictions have not been confirmed by published functional studies and their clinical significance is uncertain. This variant has not been reported in the literature in individuals with CCNO-related conditions. This variant is not present in population databases (ExAC no frequency). This sequence change replaces alanine with valine at codon 262 of the CCNO protein (p.Ala262Val). The alanine residue is highly conserved and there is a small physicochemical difference between alanine and valine.

NM_021147.5(CCNO):c.785C>T (p.Ala262Val)

Gene: CCNO (cyclin O; minus strand). Cytogenetic location: 5q11.2.
Variant type: single nucleotide variant.
Coding change: c.785C>T on transcript NM_021147.5 (MANE Select); coding-DNA position 785, C replaced by T.
Protein change: p.Ala262Val; replaces alanine 262 with valine.
Molecular consequence: missense variant. On other transcripts: non-coding transcript variant (3).
Genome position (GRCh38, 1-based): chr5:55,231,643, G>A on the plus strand (C>T on the coding strand, the complement: CCNO is on the minus strand). VCF-style: chr5-55231643-G-A. GRCh37 (hg19) VCF-style: chr5-54527471-G-A.
Other names: short protein forms A262V.
Identifiers: ClinVar variation 952760 (VCV000952760.8), dbSNP rs150766906, ClinGen allele CA118942683.